The following is an entry in ClinVar:

ClinVar aggregate classification (germline): Uncertain significance. Review status: criteria provided, multiple submitters, no conflicts (2 of 4 stars). 2 submissions from 2 submitters: Uncertain significance (2). Last evaluated 2025-11-29.

Conditions:
Inborn genetic diseases. Identifiers: MedGen C0950123, MeSH D030342.
Fanconi anemia complementation group A (FANCA). Also called: Fanconi anemia, group A; FANCA-Related Fanconi Anemia. Identifiers: Orphanet 84, MedGen C3469521, MONDO:0009215, OMIM 227650.

gnomAD v4.1: 2 of 1,613,828 alleles (0.00012%); highest among the groups gnomAD compares: African/African-American, 0.0027%; no homozygotes.

Submissions (2):

Ambry Genetics
Classification: Uncertain significance for Inborn genetic diseases. Last evaluated: 2025-11-29. Review status: criteria provided, single submitter. Criteria: Ambry Variant Classification Scheme 2023. Collection method: clinical testing. Allele origin: germline.
Comment: The p.D79H variant (also known as c.235G>C), located in coding exon 3 of the FANCA gene, results from a G to C substitution at nucleotide position 235. The aspartic acid at codon 79 is replaced by histidine, an amino acid with similar properties. This amino acid position is conserved. In addition, this alteration is predicted to be tolerated by in silico analysis. Based on the available evidence, the clinical significance of this variant remains unclear.

St. Jude Molecular Pathology, St. Jude Children's Research Hospital
Classification: Uncertain significance for Fanconi anemia complementation group A. Last evaluated: 2025-02-05. Review status: criteria provided, single submitter. Criteria: St. Jude Assertion Criteria 2020. Collection method: clinical testing. Allele origin: germline.
Comment: The FANCA c.235G>C (p.Asp79His) missense change is absent in gnomAD v2.1.1. The in silico tool REVEL predicts a benign effect on protein function, but to our knowledge this prediction has not been confirmed by functional studies. To our knowledge, this variant has not been reported in individuals with Fanconi anemia. In summary, the evidence currently available is insufficient to determine the clinical significance of this variant. It has therefore been classified as of uncertain significance.

NM_000135.4(FANCA):c.235G>C (p.Asp79His)

Gene: FANCA (FA complementation group A; minus strand). Cytogenetic location: 16q24.3.
Variant type: single nucleotide variant.
Coding change: c.235G>C on transcript NM_000135.4 (MANE Select); coding-DNA position 235, G replaced by C.
Protein change: p.Asp79His; replaces aspartic acid 79 with histidine.
Molecular consequence: missense variant.
Genome position (GRCh38, 1-based): chr16:89,814,568, C>G on the plus strand (G>C on the coding strand, the complement: FANCA is on the minus strand). VCF-style: chr16-89814568-C-G. GRCh37 (hg19) VCF-style: chr16-89880976-C-G.
Other names: c.235G>C, p.Asp79His (NM_001018112.3, NM_001286167.3, NM_001351830.2); short protein forms D79H.
Identifiers: ClinVar variation 3602661 (VCV003602661.2).
Genomic context (GRCh38, chr16:89,814,568, plus strand): 5'-GCTATAACTTACCTATAAATGAACTAGAATGATTAGCATAGGCCTCAGAACTGTCACAGT[C>G]AATCACTTTGCTGAGAGACAATTTTTTACACAGTGGACCTTCTACCTAGAATCCAAAACA-3'
Protein context (NP_000126.2, residues 69-89): CKKLSLSKVI[Asp79His]CDSSEAYANH